The following is an entry in ClinVar:

ClinVar aggregate classification (germline): Uncertain significance (1 of 4 stars; one submission).

Allele frequency attached by ClinVar (database versions not stated): gnomAD exomes 0.00001; TOPMed 0.00001; ExAC 0.00003; ESP Exome Variant Server 0.00008.
gnomAD v4.1: 11 of 1,609,310 alleles (0.00068%); highest among the groups gnomAD compares: South Asian, 0.0055%; no homozygotes.

Submission:

Labcorp Genetics (formerly Invitae), Labcorp
Classification: Uncertain significance. Last evaluated: 2021-12-18. Review status: criteria provided, single submitter. Criteria: Invitae Variant Classification Sherloc (09022015). Collection method: clinical testing. Allele origin: germline.
Comment: In summary, the available evidence is currently insufficient to determine the role of this variant in disease. Therefore, it has been classified as a Variant of Uncertain Significance. Algorithms developed to predict the effect of sequence changes on RNA splicing suggest that this variant may create or strengthen a splice site. Algorithms developed to predict the effect of missense changes on protein structure and function are either unavailable or do not agree on the potential impact of this missense change (SIFT: "Deleterious"; PolyPhen-2: "Probably Damaging"; Align-GVGD: "Class C0"). This variant has not been reported in the literature in individuals affected with DIAPH3-related conditions. This variant is present in population databases (rs374837449, gnomAD 0.007%). This sequence change replaces tyrosine, which is neutral and polar, with cysteine, which is neutral and slightly polar, at codon 964 of the DIAPH3 protein (p.Tyr964Cys).

NM_001042517.2(DIAPH3):c.2891A>G (p.Tyr964Cys)

Gene: DIAPH3 (diaphanous related formin 3; minus strand). Cytogenetic location: 13q21.2.
Variant type: single nucleotide variant.
Coding change: c.2891A>G on transcript NM_001042517.2 (MANE Select); coding-DNA position 2891, A replaced by G.
Protein change: p.Tyr964Cys; replaces tyrosine 964 with cysteine.
Molecular consequence: missense variant.
Genome position (GRCh38, 1-based): chr13:59,833,243, T>C on the plus strand (A>G on the coding strand, the complement: DIAPH3 is on the minus strand). VCF-style: chr13-59833243-T-C. GRCh37 (hg19) VCF-style: chr13-60407377-T-C.
Other names: c.2858A>G, p.Tyr953Cys (NM_001258366.2); c.2753A>G, p.Tyr918Cys (NM_001258367.2); c.2681A>G, p.Tyr894Cys (NM_001258368.2); c.2891A>G, p.Tyr964Cys (NM_001258369.2); c.2102A>G, p.Tyr701Cys (NM_030932.4); short protein forms Y894C, Y918C, Y953C, Y701C, Y964C.
Identifiers: ClinVar variation 1925845 (VCV001925845.5), dbSNP rs374837449, ClinGen allele CA6996244.